The following is an entry in ClinVar:

ClinVar aggregate classification (germline): Likely benign. Review status: criteria provided, multiple submitters, no conflicts (2 of 4 stars). 2 submissions from 2 submitters: Likely benign (2). Last evaluated 2025-10-01.

Submissions (2):

CeGaT Center for Human Genetics Tuebingen
Classification: Likely benign. Last evaluated: 2025-10-01. Review status: criteria provided, single submitter. Criteria: CeGaT Center For Human Genetics Tuebingen Variant Classification Criteria Version 2. Collection method: clinical testing. Allele origin: germline. Affected: yes. Observed: 1 variant allele.
Comment: CREBBP: BP4, BP7

Blueprint Genetics
Classification: Likely benign. Last evaluated: 2020-09-18. Review status: criteria provided, single submitter. Criteria: ACMG Guidelines, 2015. Collection method: clinical testing. Allele origin: germline.

NM_004380.3(CREBBP):c.735G>A (p.Gln245=)

Gene: CREBBP (CREB binding lysine acetyltransferase; minus strand). Cytogenetic location: 16p13.3.
Variant type: single nucleotide variant.
Coding change: c.735G>A on transcript NM_004380.3 (MANE Select); coding-DNA position 735, G replaced by A.
Protein change: p.Gln245=; no amino-acid change (glutamine 245 retained).
Molecular consequence: synonymous variant.
Genome position (GRCh38, 1-based): chr16:3,850,360, C>T on the plus strand (G>A on the coding strand, the complement: CREBBP is on the minus strand). VCF-style: chr16-3850360-C-T. GRCh37 (hg19) VCF-style: chr16-3900361-C-T.
Other names: c.735G>A, p.Gln245= (NM_001079846.1).
Identifiers: ClinVar variation 4534642 (VCV004534642.7).